The following is an entry in ClinVar:

NM_015450.3(POT1):c.1262C>T (p.Ser421Leu)

Gene: POT1 (protection of telomeres 1; minus strand). Cytogenetic location: 7q31.33.
Variant type: single nucleotide variant.
Coding change: c.1262C>T on transcript NM_015450.3 (MANE Select); coding-DNA position 1262, C replaced by T.
Protein change: p.Ser421Leu; replaces serine 421 with leucine.
Molecular consequence: missense variant. On other transcripts: non-coding transcript variant (3).
Genome position (GRCh38, 1-based): chr7:124,841,080, G>A on the plus strand (C>T on the coding strand, the complement: POT1 is on the minus strand). VCF-style: chr7-124841080-G-A. GRCh37 (hg19) VCF-style: chr7-124481134-G-A.
Other names: c.869C>T, p.Ser290Leu (NM_001042594.2); short protein forms S421L, S290L.
Identifiers: ClinVar variation 818741 (VCV000818741.12), dbSNP rs1413163992, ClinGen allele CA369067303.

ClinVar aggregate classification (germline): Uncertain significance. Review status: criteria provided, multiple submitters, no conflicts (2 of 4 stars). 2 submissions from 2 submitters: Uncertain significance (2). Last evaluated 2025-11-11.

Conditions:
Tumor predisposition syndrome 3 (TPDS3). Also called: Glioma susceptibility 9; LONG TELOMERE SYNDROME, POT1-RELATED; POT1 Tumor Predisposition; Melanoma, cutaneous malignant, susceptibility to, 10. Identifiers: Orphanet 618, MedGen C4014476, MONDO:0014368, OMIM 615848.
Hereditary cancer-predisposing syndrome. Also called: Tumor predisposition; Hereditary Cancer Syndrome; Hereditary neoplastic syndrome; Neoplastic Syndromes, Hereditary. Identifiers: Orphanet 140162, MedGen C0027672, MeSH D009386, MONDO:0015356.

Allele frequency attached by ClinVar (database versions not stated): gnomAD exomes below 0.00001.
gnomAD v4.1: 2 of 1,612,378 alleles (0.00012%); highest among the groups gnomAD compares: African/African-American, 0.0013%; no homozygotes.

Submissions (2):

Labcorp Genetics (formerly Invitae), Labcorp
Classification: Uncertain significance for Tumor predisposition syndrome 3. Last evaluated: 2025-11-11. Review status: criteria provided, single submitter. Criteria: Invitae Variant Classification Sherloc (09022015). Collection method: clinical testing. Allele origin: germline.
Comment: This sequence change replaces serine, which is neutral and polar, with leucine, which is neutral and non-polar, at codon 421 of the POT1 protein (p.Ser421Leu). This variant is present in population databases (no rsID available, gnomAD 0.0009%). This missense change has been observed in individual(s) with melanoma (PMID: 24686846). ClinVar contains an entry for this variant (Variation ID: 818741). Invitae Evidence Modeling of protein sequence and biophysical properties (such as structural, functional, and spatial information, amino acid conservation, physicochemical variation, residue mobility, and thermodynamic stability) indicates that this missense variant is not expected to disrupt POT1 protein function with a negative predictive value of 80%. In summary, the available evidence is currently insufficient to determine the role of this variant in disease. Therefore, it has been classified as a Variant of Uncertain Significance.

Ambry Genetics
Classification: Uncertain significance for Hereditary cancer-predisposing syndrome. Last evaluated: 2021-10-26. Review status: criteria provided, single submitter. Criteria: Ambry Variant Classification Scheme 2023. Collection method: clinical testing. Allele origin: germline.
Comment: The p.S421L variant (also known as c.1262C>T), located in coding exon 10 of the POT1 gene, results from a C to T substitution at nucleotide position 1262. The serine at codon 421 is replaced by leucine, an amino acid with dissimilar properties. This alteration has been reported in an individual with multiple primary melanomas (Shi J et al. Nat. Genet., 2014 May;46:482-6). This amino acid position is highly conserved in available vertebrate species. In addition, this alteration is predicted to be deleterious by in silico analysis. Since supporting evidence is limited at this time, the clinical significance of this alteration remains unclear.

Literature cited by the submitters: PubMed 24686846 (cited by Labcorp Genetics (formerly Invitae), Labcorp and Ambry Genetics).